The following is an entry in ClinVar:

NM_024675.4(PALB2):c.1123C>G (p.Leu375Val)

Gene: PALB2 (partner and localizer of BRCA2; minus strand). Cytogenetic location: 16p12.2.
Variant type: single nucleotide variant.
Coding change: c.1123C>G on transcript NM_024675.4 (MANE Select); coding-DNA position 1123, C replaced by G.
Protein change: p.Leu375Val; replaces leucine 375 with valine.
Molecular consequence: missense variant.
Genome position (GRCh38, 1-based): chr16:23,635,423, G>C on the plus strand (C>G on the coding strand, the complement: PALB2 is on the minus strand). VCF-style: chr16-23635423-G-C. GRCh37 (hg19) VCF-style: chr16-23646744-G-C.
Other names: short protein forms L375V.
Identifiers: ClinVar variation 627850 (VCV000627850.14), dbSNP rs373298267, ClinGen allele CA395133691.

ClinVar aggregate classification (germline): Uncertain significance. Review status: criteria provided, multiple submitters, no conflicts (2 of 4 stars). 3 submissions from 3 submitters: Uncertain significance (3). Last evaluated 2023-12-15.

Conditions:
Familial cancer of breast. Also called: BREAST CANCER, FAMILIAL; Hereditary breast cancer; hereditary breast carcinoma. Identifiers: Orphanet 227535, MedGen C0346153, MONDO:0016419, OMIM 114480. Disease mechanism: loss of function.
Hereditary cancer-predisposing syndrome. Also called: Tumor predisposition; Hereditary Cancer Syndrome; Neoplastic Syndromes, Hereditary; Hereditary neoplastic syndrome. Identifiers: Orphanet 140162, MedGen C0027672, MeSH D009386, MONDO:0015356.

Submissions (3):

Ambry Genetics
Classification: Uncertain significance for Hereditary cancer-predisposing syndrome. Last evaluated: 2023-12-15. Review status: criteria provided, single submitter. Criteria: Ambry Variant Classification Scheme 2023. Collection method: clinical testing. Allele origin: germline.
Comment: The p.L375V variant (also known as c.1123C>G), located in coding exon 4 of the PALB2 gene, results from a C to G substitution at nucleotide position 1123. The leucine at codon 375 is replaced by valine, an amino acid with highly similar properties. This amino acid position is conserved. In addition, this alteration is predicted to be tolerated by in silico analysis. Since supporting evidence is limited at this time, the clinical significance of this alteration remains unclear.

Labcorp Genetics (formerly Invitae), Labcorp
Classification: Uncertain significance for Familial cancer of breast. Last evaluated: 2022-06-16. Review status: criteria provided, single submitter. Criteria: Invitae Variant Classification Sherloc (09022015). Collection method: clinical testing. Allele origin: germline.
Comment: In summary, the available evidence is currently insufficient to determine the role of this variant in disease. Therefore, it has been classified as a Variant of Uncertain Significance. Algorithms developed to predict the effect of sequence changes on RNA splicing suggest that this variant may create or strengthen a splice site. Algorithms developed to predict the effect of missense changes on protein structure and function output the following: SIFT: "Tolerated"; PolyPhen-2: "Benign"; Align-GVGD: "Class C0". The valine amino acid residue is found in multiple mammalian species, which suggests that this missense change does not adversely affect protein function. ClinVar contains an entry for this variant (Variation ID: 627850). This variant has not been reported in the literature in individuals affected with PALB2-related conditions. This variant is present in population databases (no rsID available, gnomAD 0.0009%). This sequence change replaces leucine, which is neutral and non-polar, with valine, which is neutral and non-polar, at codon 375 of the PALB2 protein (p.Leu375Val).

Color Diagnostics, LLC DBA Color Health
Classification: Uncertain significance for Hereditary cancer-predisposing syndrome. Last evaluated: 2019-01-18. Review status: criteria provided, single submitter. Criteria: ACMG Guidelines, 2015. Collection method: clinical testing. Allele origin: germline.